The following is an entry in ClinVar:

NM_004260.4(RECQL4):c.1006A>G (p.Thr336Ala)

Gene: RECQL4 (RecQ like helicase 4; minus strand). Cytogenetic location: 8q24.3.
Variant type: single nucleotide variant.
Coding change: c.1006A>G on transcript NM_004260.4 (MANE Select); coding-DNA position 1006, A replaced by G.
Protein change: p.Thr336Ala; replaces threonine 336 with alanine.
Molecular consequence: missense variant. On other transcripts: 5 prime UTR variant (16), non-coding transcript variant (3), intron variant (3).
Genome position (GRCh38, 1-based): chr8:144,516,113, T>C on the plus strand (A>G on the coding strand, the complement: RECQL4 is on the minus strand). VCF-style: chr8-144516113-T-C. GRCh37 (hg19) VCF-style: chr8-145741497-T-C.
Other names: c.1006A>G, p.Thr336Ala (NM_001413018.1, NM_001413019.1, NM_001413033.1 and 2 more transcripts); c.-66A>G (NM_001413021.1, NM_001413022.1, NM_001413023.1 and 7 more transcripts); c.877A>G, p.Thr293Ala (NM_001413025.1); c.-128A>G (NM_001413027.1, NM_001413030.1, NM_001413031.1 and 2 more transcripts); c.655A>G, p.Thr219Ala (NM_001413029.1); c.-335A>G (NM_001413043.1); c.954-44A>G (NM_001413017.1, NM_001413020.1); c.-22-44A>G (NM_001413034.1); short protein forms T336A, T219A, T293A.
Identifiers: ClinVar variation 3702794 (VCV003702794.2).

ClinVar aggregate classification (germline): Uncertain significance (1 of 4 stars; one submission).

Conditions:
Baller-Gerold syndrome (BGS). Also called: CRANIOSYNOSTOSIS WITH RADIAL DEFECTS. Identifiers: Orphanet 1225, MedGen C0265308, MONDO:0009039, OMIM 218600.

Submission:

Labcorp Genetics (formerly Invitae), Labcorp
Classification: Uncertain significance for Baller-Gerold syndrome. Last evaluated: 2024-04-01. Review status: criteria provided, single submitter. Criteria: Invitae Variant Classification Sherloc (09022015). Collection method: clinical testing. Allele origin: germline.
Comment: This sequence change replaces threonine, which is neutral and polar, with alanine, which is neutral and non-polar, at codon 336 of the RECQL4 protein (p.Thr336Ala). This variant is not present in population databases (gnomAD no frequency). This variant has not been reported in the literature in individuals affected with RECQL4-related conditions. Advanced modeling of protein sequence and biophysical properties (such as structural, functional, and spatial information, amino acid conservation, physicochemical variation, residue mobility, and thermodynamic stability) performed at Invitae indicates that this missense variant is not expected to disrupt RECQL4 protein function with a negative predictive value of 80%. In summary, the available evidence is currently insufficient to determine the role of this variant in disease. Therefore, it has been classified as a Variant of Uncertain Significance.